The following is an entry in ClinVar:

ClinVar aggregate classification (germline): Likely pathogenic. Review status: criteria provided, multiple submitters, no conflicts (2 of 4 stars). 2 submissions from 2 submitters: Likely pathogenic (2). Last evaluated 2024-01-05.

Conditions:
Hereditary cancer-predisposing syndrome. Also called: Hereditary neoplastic syndrome; Hereditary Cancer Syndrome; Neoplastic Syndromes, Hereditary; Tumor predisposition. Identifiers: Orphanet 140162, MedGen C0027672, MeSH D009386, MONDO:0015356.

gnomAD v4.1: 1 of 1,609,110 alleles (0.000062%); highest among the groups gnomAD compares: Non-Finnish European, 0.000085%; no homozygotes.

Submissions (2):

Ambry Genetics
Classification: Likely pathogenic for Hereditary cancer-predisposing syndrome. Last evaluated: 2024-01-05. Review status: criteria provided, single submitter. Criteria: Ambry Variant Classification Scheme 2023. Collection method: clinical testing. Allele origin: germline.
Comment: The c.1518+1G>A intronic variant results from a G to A substitution one nucleotide after coding exon 15 of the MUTYH gene. Alterations that disrupt the canonical splice site are expected to result in aberrant splicing. In silico splice site analysis predicts that this alteration will weaken the native splice donor site. The resulting transcript is predicted to be in-frame and is not expected to trigger nonsense-mediated mRNA decay; however, direct evidence is unavailable. The exact functional effect of the altered amino acid sequence is unknown; however, the impacted region is critical for protein function (Ambry internal data). This variant is considered to be rare based on population cohorts in the Genome Aggregation Database (gnomAD). This nucleotide position is highly conserved in available vertebrate species. Based on the majority of available evidence to date, this variant is likely to be pathogenic.

Color Diagnostics, LLC DBA Color Health
Classification: Likely pathogenic for Hereditary cancer-predisposing syndrome. Last evaluated: 2023-10-03. Review status: criteria provided, single submitter. Criteria: ACMG Guidelines, 2015. Collection method: clinical testing. Allele origin: germline.
Comment: This variant causes a G to A nucleotide substitution at the +1 position of intron 15 of the MUTYH gene. Splice site prediction tools predict that this variant may have a significant impact on RNA splicing. To our knowledge, functional studies have not been reported for this variant. This variant has not been reported in individuals affected with MUTYH-related disorders in the literature. Other variants occurring at the same position and at the same donor site are considered disease causing in ClinVar (Variation IDs: 231877, 1324752, 1499267). This variant has not been identified in the general population by the Genome Aggregation Database (gnomAD). Loss of MUTYH function is a known mechanism of disease. Based on the available evidence, this variant is classified as Likely Pathogenic.

NM_001048174.2(MUTYH):c.1434+1G>A

Gene: MUTYH (mutY DNA glycosylase; minus strand). Cytogenetic location: 1p34.1.
Variant type: single nucleotide variant.
Coding change: c.1434+1G>A on transcript NM_001048174.2 (MANE Select); the canonical splice donor site of the intron after coding-DNA position 1434, G replaced by A.
Molecular consequence: splice donor variant.
Genome position (GRCh38, 1-based): chr1:45,330,515, C>T on the plus strand (G>A on the coding strand, the complement: MUTYH is on the minus strand). VCF-style: chr1-45330515-C-T. GRCh37 (hg19) VCF-style: chr1-45796187-C-T.
Other names: c.1434+1G>A (NM_001407072.1, NM_001407073.1, NM_001048171.2 and 6 more transcripts); c.1089+1G>A (NM_001350651.2, NM_001350650.2, NM_001407082.1); c.1158+1G>A (NM_001293192.2, NM_001293196.2, NM_001407091.1); c.1479+1G>A (NM_001293190.2); c.1467+1G>A (NM_001407069.1, NM_001407077.1, NM_001293191.2); c.1509+1G>A (NM_012222.3); c.1518+1G>A (NM_001128425.2, NM_001128425.1); c.1437+1G>A (NM_001407071.1, NM_001048172.2, NM_001407078.1 and 1 more transcripts); and 5 more.
Identifiers: ClinVar variation 2773676 (VCV002773676.3), dbSNP rs876659420, ClinGen allele CA340132291.